The following is an entry in ClinVar:

NM_004360.5(CDH1):c.697C>T (p.His233Tyr)

Gene: CDH1 (cadherin 1; plus strand). Cytogenetic location: 16q22.1.
Variant type: single nucleotide variant.
Coding change: c.697C>T on transcript NM_004360.5 (MANE Select); coding-DNA position 697, C replaced by T.
Protein change: p.His233Tyr; replaces histidine 233 with tyrosine.
Molecular consequence: missense variant. On other transcripts: 5 prime UTR variant (2).
Genome position (GRCh38, 1-based): chr16:68,810,206, C>T. VCF-style: chr16-68810206-C-T. GRCh37 (hg19) VCF-style: chr16-68844109-C-T.
Other names: c.697C>T, p.His233Tyr (NM_001317184.2); c.-919C>T (NM_001317185.2); c.-1123C>T (NM_001317186.2); c.697C>T (NM_004360.3); short protein forms H233Y.
Identifiers: ClinVar variation 925062 (VCV000925062.3), dbSNP rs1352098199, ClinGen allele CA396458386.

ClinVar aggregate classification (germline): Uncertain significance. Review status: criteria provided, multiple submitters, no conflicts (2 of 4 stars). 2 submissions from 2 submitters: Uncertain significance (2). Last evaluated 2026-07-07.

Conditions:
Hereditary cancer-predisposing syndrome. Also called: Neoplastic Syndromes, Hereditary; Hereditary Cancer Syndrome; Tumor predisposition; Hereditary neoplastic syndrome. Identifiers: Orphanet 140162, MedGen C0027672, MeSH D009386, MONDO:0015356.

Allele frequency attached by ClinVar (database versions not stated): gnomAD exomes below 0.00001.
gnomAD v4.1: 1 of 1,614,204 alleles (0.000062%); no homozygotes.

Submissions (2):

Ambry Genetics
Classification: Uncertain significance for Hereditary cancer-predisposing syndrome. Last evaluated: 2026-07-07. Review status: criteria provided, single submitter. Criteria: Ambry Variant Classification Scheme 2023. Collection method: clinical testing. Allele origin: germline.
Comment: The p.H233Y variant (also known as c.697C>T), located in coding exon 6 of the CDH1 gene, results from a C to T substitution at nucleotide position 697. The histidine at codon 233 is replaced by tyrosine, an amino acid with similar properties. This amino acid position is conserved. In addition, this alteration is predicted to be tolerated by in silico analysis. Based on the available evidence, the clinical significance of this variant remains unclear.

Color Diagnostics, LLC DBA Color Health
Classification: Uncertain significance for Hereditary cancer-predisposing syndrome. Last evaluated: 2019-05-25. Review status: criteria provided, single submitter. Criteria: ACMG Guidelines, 2015. Collection method: clinical testing. Allele origin: germline.